The following is an entry in ClinVar:

ClinVar aggregate classification (germline): Uncertain significance (1 of 4 stars; one submission).

Conditions:
Werner syndrome (WRN). Identifiers: Orphanet 902, MedGen C0043119, MONDO:0010196, OMIM 277700.

Submission:

Labcorp Genetics (formerly Invitae), Labcorp
Classification: Uncertain significance for Werner syndrome. Last evaluated: 2023-11-01. Review status: criteria provided, single submitter. Criteria: Invitae Variant Classification Sherloc (09022015). Collection method: clinical testing. Allele origin: germline.
Comment: This variant, c.252_266del, is a complex sequence change that results in the deletion of 6 and insertion of 1 amino acid(s) in the WRN protein (p.Glu84_Tyr89delinsAsp). This variant is not present in population databases (gnomAD no frequency). This variant has not been reported in the literature in individuals affected with WRN-related conditions. ClinVar contains an entry for this variant (Variation ID: 528172). Experimental studies and prediction algorithms are not available or were not evaluated, and the functional significance of this variant is currently unknown. In summary, the available evidence is currently insufficient to determine the role of this variant in disease. Therefore, it has been classified as a Variant of Uncertain Significance.

NM_000553.6(WRN):c.252_266del (p.Glu84_Tyr89delinsAsp)

Gene: WRN (WRN RecQ like helicase; plus strand). Cytogenetic location: 8p12.
Variant type: Deletion.
Coding change: c.252_266del on transcript NM_000553.6 (MANE Select); coding-DNA positions 252 to 266, 15 bases deleted (GTGGCCACCATTATA).
Protein change: p.Glu84_Tyr89delinsAsp.
Molecular consequence: inframe indel.
Genome position (GRCh38, 1-based): chr8:31,064,331-31,064,345, GTGGCCACCATTATA deleted; deleting any 15 consecutive bases within chr8:31,064,330-31,064,345 gives the same sequence; the c. name uses the placement nearest the transcript's 3' end. VCF-style (leftmost placement, unchanged base first): chr8-31064329-GAGTGGCCACCATTAT-G. GRCh37 (hg19) VCF-style: chr8-30921845-GAGTGGCCACCATTAT-G.
Identifiers: ClinVar variation 528172 (VCV000528172.6), dbSNP rs772594712, ClinGen allele CA4704020.